The following is an entry in ClinVar:

ClinVar aggregate classification (germline): Uncertain significance. Review status: criteria provided, multiple submitters, no conflicts (2 of 4 stars). 2 submissions from 2 submitters: Uncertain significance (2). Last evaluated 2025-05-31.

Conditions:
Neurofibromatosis, type 1 (NF1). Also called: Peripheral type neurofibromatosis; VON RECKLINGHAUSEN DISEASE; Neurofibromatosis, type I; NEUROFIBROMATOSIS, TYPE I, SOMATIC. Identifiers: Orphanet 636, MedGen C0027831, MONDO:0018975, OMIM 162200. Disease mechanism: loss of function.
Hereditary cancer-predisposing syndrome. Also called: Tumor predisposition; Hereditary neoplastic syndrome; Neoplastic Syndromes, Hereditary; Hereditary Cancer Syndrome. Identifiers: Orphanet 140162, MedGen C0027672, MeSH D009386, MONDO:0015356.
Cardiovascular phenotype. Identifiers: MedGen CN230736.

Submissions (2):

Ambry Genetics
Classification: Uncertain significance for Cardiovascular phenotype; Hereditary cancer-predisposing syndrome. Last evaluated: 2025-05-31. Review status: criteria provided, single submitter. Criteria: Ambry Variant Classification Scheme 2023. Collection method: clinical testing. Allele origin: germline.
Comment: The p.N151D variant (also known as c.451A>G), located in coding exon 4 of the NF1 gene, results from an A to G substitution at nucleotide position 451. The asparagine at codon 151 is replaced by aspartic acid, an amino acid with highly similar properties. This amino acid position is conserved. In addition, the in silico prediction for this alteration is inconclusive. Based on the available evidence, the clinical significance of this variant remains unclear.

Labcorp Genetics (formerly Invitae), Labcorp
Classification: Uncertain significance for Neurofibromatosis, type 1. Last evaluated: 2023-11-21. Review status: criteria provided, single submitter. Criteria: Invitae Variant Classification Sherloc (09022015). Collection method: clinical testing. Allele origin: germline.
Comment: This sequence change replaces asparagine, which is neutral and polar, with aspartic acid, which is acidic and polar, at codon 151 of the NF1 protein (p.Asn151Asp). This variant is not present in population databases (gnomAD no frequency). This variant has not been reported in the literature in individuals affected with NF1-related conditions. ClinVar contains an entry for this variant (Variation ID: 934687). Advanced modeling of protein sequence and biophysical properties (such as structural, functional, and spatial information, amino acid conservation, physicochemical variation, residue mobility, and thermodynamic stability) performed at Invitae indicates that this missense variant is expected to disrupt NF1 protein function with a positive predictive value of 95%. In summary, the available evidence is currently insufficient to determine the role of this variant in disease. Therefore, it has been classified as a Variant of Uncertain Significance.

NM_001042492.3(NF1):c.451A>G (p.Asn151Asp)

Gene: NF1 (neurofibromin 1; plus strand). Cytogenetic location: 17q11.2.
Variant type: single nucleotide variant.
Coding change: c.451A>G on transcript NM_001042492.3 (MANE Select); coding-DNA position 451, A replaced by G.
Protein change: p.Asn151Asp; replaces asparagine 151 with aspartic acid.
Molecular consequence: missense variant.
Genome position (GRCh38, 1-based): chr17:31,163,348, A>G. VCF-style: chr17-31163348-A-G. GRCh37 (hg19) VCF-style: chr17-29490366-A-G.
Other names: c.451A>G, p.Asn151Asp (NM_000267.4, NM_001128147.3); short protein forms N151D.
Identifiers: ClinVar variation 934687 (VCV000934687.7), dbSNP rs769391944, ClinGen allele CA398982076.
Genomic context (GRCh38, chr17:31,163,348, plus strand): 5'-GCAGCTGAACTTCGGAATTCTGCCTCTGGGGTTTTATTTTCTCTCAGCTGCAACAACTTC[A>G]ATGCAGTCTTTAGTCGCATTTCTACCAGGTTAGTGTGTAAATCCACATGGGACTACTGAA-3'
Protein context (NP_001035957.1, residues 141-161): VLFSLSCNNF[Asn151Asp]AVFSRISTRL